The following is an entry in ClinVar:

ClinVar aggregate classification (germline): Pathogenic/Likely pathogenic. Review status: criteria provided, multiple submitters, no conflicts (2 of 4 stars). 9 submissions from 9 submitters: Pathogenic (7); Likely pathogenic (2). Last evaluated 2025-05-06.

Conditions:
Isovaleryl-CoA dehydrogenase deficiency (IVA). Also called: Classic Isovaleric Acidemia; ISOVALERIC ACID CoA DEHYDROGENASE DEFICIENCY; Isovaleric acidemia; IVD DEFICIENCY. Identifiers: Orphanet 33, MedGen C0268575, MONDO:0009475, OMIM 243500.

Allele frequency attached by ClinVar (database versions not stated): gnomAD exomes 0.00001; TOPMed 0.00001; gnomAD 0.00003.
gnomAD v4.1: 12 of 1,614,076 alleles (0.00074%); highest among the groups gnomAD compares: Admixed American, 0.0033%; no homozygotes.

Submissions (9):

GeneDx
Classification: Likely pathogenic. Last evaluated: 2025-05-06. Review status: criteria provided, single submitter. Criteria: GeneDx Variant Classification Process June 2021. Collection method: clinical testing. Allele origin: germline. Affected: yes.
Comment: Observed in homozygous state in a family in published literature with two affected children with isovaleric acidemia; an asymptomatic sibling was also found to be homozygous. Please note that this variant is referred to using alternate nomenclature R392H (PMID: 22960500); In silico analysis supports that this missense variant has a deleterious effect on protein structure/function; This variant is associated with the following publications: (PMID: 31589614, 25220015, 24516753, 37429829, 33210480, 35846131, 17027310, 26594346, 22960500, 27904153)

Natera, Inc.
Classification: Pathogenic for Isovaleryl-coa dehydrogenase deficiency. Last evaluated: 2025-04-25. Review status: criteria provided, single submitter. Criteria: Natera Variant Classification Schema (03/2026). Collection method: clinical testing. Allele origin: germline.
Comment: The c.1184G>A variant in IVD is a missense variant predicted to cause substitution of arginine to histidine at amino acid 395. This variant is rare in the general population with a frequency below the threshold expected for the associated phenotype(s). This variant has been observed in one or more individuals affected with the associated recessive disease, as either homozygous or compound heterozygous with a second variant (PMID: 22960500). Additionally, this variant has been observed to segregate in affected family members (PMID: 22960500). A different variant at the same position has been determined to be Pathogenic or Likely Pathogenic. Computational prediction algorithms indicate this variant is likely to affect gene or protein function. Given the available evidence, this variant is classified as Pathogenic.

Dubai Health Genomic Medicine Center, Dubai Health
Classification: Pathogenic for Isovaleric acidemia. Last evaluated: 2024-10-04. Review status: criteria provided, single submitter. Criteria: ACMG Guidelines, 2015. Collection method: research. Allele origin: germline. Affected: yes.
Comment: PP1,PM5,PM2,PP3,PM3(strong)

Labcorp Genetics (formerly Invitae), Labcorp
Classification: Pathogenic for Isovaleryl-CoA dehydrogenase deficiency. Last evaluated: 2024-08-06. Review status: criteria provided, single submitter. Criteria: Invitae Variant Classification Sherloc (09022015). Collection method: clinical testing. Allele origin: germline.
Comment: This sequence change replaces arginine, which is basic and polar, with histidine, which is basic and polar, at codon 395 of the IVD protein (p.Arg395His). This variant is present in population databases (no rsID available, gnomAD 0.006%). This missense change has been observed in individuals with isovaleric acidemia (PMID: 22960500, 25220015, 27904153). It has also been observed to segregate with disease in related individuals. This variant is also known as c.1175G>A (p.R392H). ClinVar contains an entry for this variant (Variation ID: 623383). An algorithm developed to predict the effect of missense changes on protein structure and function (PolyPhen-2) suggests that this variant is likely to be disruptive. This variant disrupts the p.Arg395 amino acid residue in IVD. Other variant(s) that disrupt this residue have been determined to be pathogenic (PMID: 9665741, 17027310, 25220015, 26018748). This suggests that this residue is clinically significant, and that variants that disrupt this residue are likely to be disease-causing. For these reasons, this variant has been classified as Pathogenic.

Baylor Genetics
Classification: Pathogenic for Isovaleryl-CoA dehydrogenase deficiency. Last evaluated: 2024-02-05. Review status: criteria provided, single submitter. Criteria: ACMG Guidelines, 2015. Collection method: clinical testing. Allele origin: unknown.

Fulgent Genetics
Classification: Likely pathogenic for Isovaleryl-CoA dehydrogenase deficiency. Last evaluated: 2024-01-31. Review status: criteria provided, single submitter. Criteria: ACMG Guidelines, 2015. Collection method: clinical testing. Allele origin: germline.

3billion
Classification: Pathogenic for Isovaleryl-CoA dehydrogenase deficiency. Last evaluated: 2023-09-04. Review status: criteria provided, single submitter. Criteria: ACMG Guidelines, 2015. Collection method: clinical testing. Allele origin: germline. Affected: yes.
Comment: The variant is observed at an extremely low frequency in the gnomAD v2.1.1 dataset (total allele frequency: 0.001%). Predicted Consequence/Location: Missense variant In silico tool predictions suggest damaging effect of the variant on gene or gene product [REVEL: 0.97 (>=0.6, sensitivity 0.68 and specificity 0.92); 3Cnet: 0.99 (>=0.6, sensitivity 0.72 and precision 0.9)]. Same nucleotide change resulting in same amino acid change (ClinVar ID: VCV000623383 /PMID: 22960500) and different missense changes at the same codon (p.Arg392Cys, p.Arg392Gly / ClinVar ID: VCV000265202 / PMID: 31442447, 9665741) have been previously reported as pathogenic/likely pathogenic with strong evidence (ClinVar ID: VCV000623383 /PMID: 22960500). Therefore, this variant is classified as Pathogenic according to the recommendation of ACMG/AMP guideline.

Dasa
Classification: Pathogenic for Isovaleryl-CoA dehydrogenase deficiency. Last evaluated: 2022-01-05. Review status: criteria provided, single submitter. Criteria: ACMG Guidelines, 2015. Collection method: clinical testing. Allele origin: germline. Affected: yes. Observed: 1 variant allele.
Comment: The c.1175G>A;p.(Arg392His) missense variant has been observed in affected individual(s) and ClinVar contains an entry for this variant (ClinVar ID: 623383; PMID: 22960500; 27904153; 25220015; 24516753) - PS4. The variant is present at low allele frequencies population databases (rs982218848– gnomAD 0.0001971%; ABraOM no frequency) - PM2_supporting. The p.(Arg392His) was detected in trans with a pathogenic variant (PMID: 22960500) - PM3_supporting. Pathogenic missense variant in this residue have been reported (ClinVar ID: 265202) - PM5. The variant co-segregated with disease in multiple affected family members (PMID: 22960500) - PP1. In summary, the currently available evidence indicates that the variant is pathogenic.

Department of Genetics, Sultan Qaboos University Hospital
Classification: Pathogenic for Isovaleryl-CoA dehydrogenase deficiency. Last evaluated: 2017-12-30. Review status: criteria provided, single submitter. Criteria: ACMG Guidelines, 2015. Collection method: clinical testing. Allele origin: unknown. Affected: yes.

Literature cited by the submitters: PubMed 22960500 (cited by 4 submitters); PubMed 25220015 (cited by Labcorp Genetics (formerly Invitae), Labcorp and Dasa); PubMed 27904153 (cited by Labcorp Genetics (formerly Invitae), Labcorp and Dasa); PubMed 9665741 (cited by Labcorp Genetics (formerly Invitae), Labcorp); PubMed 17027310 (cited by Labcorp Genetics (formerly Invitae), Labcorp); PubMed 26018748 (cited by Labcorp Genetics (formerly Invitae), Labcorp); PubMed 31442447 (cited by 3billion); PubMed 24516753 (cited by Dasa); PubMed 12767731 (cited by Dasa).

NM_002225.5(IVD):c.1175G>A (p.Arg392His)

Gene: IVD (isovaleryl-CoA dehydrogenase; plus strand). Cytogenetic location: 15q15.1.
Variant type: single nucleotide variant.
Coding change: c.1175G>A on transcript NM_002225.5 (MANE Select); coding-DNA position 1175, G replaced by A.
Protein change: p.Arg392His; replaces arginine 392 with histidine.
Molecular consequence: missense variant. On other transcripts: intron variant (3).
Genome position (GRCh38, 1-based): chr15:40,418,166, G>A. VCF-style: chr15-40418166-G-A. GRCh37 (hg19) VCF-style: chr15-40710365-G-A.
Other names: c.1085G>A, p.Arg362His (NM_001159508.3); c.1127G>A, p.Arg376His (NM_001354597.3); c.1262G>A, p.Arg421His (NM_001354599.3); c.1225+1804G>A (NM_001354600.3); c.1138+1804G>A (NM_001354598.3, NM_001354601.3); short protein forms R392H, R362H, R421H, R376H.
Identifiers: ClinVar variation 623383 (VCV000623383.26), dbSNP rs982218848, ClinGen allele CA268781747.